The following is an entry in ClinVar:

ClinVar aggregate classification (germline): Likely benign. Review status: criteria provided, multiple submitters, no conflicts (2 of 4 stars). 3 submissions from 3 submitters: Likely benign (2). 1 of the submissions does not count toward it. Last evaluated 2024-12-04.

Conditions:
LRRK2-related disorder. Also called: LRRK2-related condition.
Inborn genetic diseases. Identifiers: MedGen C0950123, MeSH D030342.
Autosomal dominant Parkinson disease 8. Also called: Parkinson disease 8, susceptibility to; LRRK2-Related Parkinson Disease; Parkinson disease 8. Identifiers: Orphanet 411602, MedGen C1846862, MONDO:0011764, OMIM 607060.

Allele frequency attached by ClinVar (database versions not stated): ExAC 0.00001; ESP Exome Variant Server 0.00008; gnomAD 0.00015; TOPMed 0.00019.
gnomAD v4.1: 31 of 1,611,986 alleles (0.0019%); highest among the groups gnomAD compares: African/African-American, 0.02%; no homozygotes.

Submissions (3):

Labcorp Genetics (formerly Invitae), Labcorp
Classification: Likely benign for Autosomal dominant Parkinson disease 8. Last evaluated: 2024-12-04. Review status: criteria provided, single submitter. Criteria: Invitae Variant Classification Sherloc (09022015). Collection method: clinical testing. Allele origin: germline.

Ambry Genetics
Classification: Likely benign for Inborn genetic diseases. Last evaluated: 2022-02-22. Review status: criteria provided, single submitter. Criteria: Ambry Variant Classification Scheme 2023. Collection method: clinical testing. Allele origin: germline.

PreventionGenetics, part of Exact Sciences
Classification: Likely benign for LRRK2-related condition. Last evaluated: 2019-11-21. Review status: no assertion criteria provided. Collection method: clinical testing. Allele origin: germline. Not counted in ClinVar's aggregate classification.
Comment: This variant is classified as likely benign based on ACMG/AMP sequence variant interpretation guidelines (Richards et al. 2015 PMID: 25741868, with internal and published modifications).

NM_198578.4(LRRK2):c.7089C>T (p.Leu2363=)

Gene: LRRK2 (leucine rich repeat kinase 2; plus strand). Cytogenetic location: 12q12.
Variant type: single nucleotide variant.
Coding change: c.7089C>T on transcript NM_198578.4 (MANE Select); coding-DNA position 7089, C replaced by T.
Protein change: p.Leu2363=; no amino-acid change (leucine 2363 retained).
Molecular consequence: synonymous variant.
Genome position (GRCh38, 1-based): chr12:40,363,462, C>T. VCF-style: chr12-40363462-C-T. GRCh37 (hg19) VCF-style: chr12-40757264-C-T.
Identifiers: ClinVar variation 1757069 (VCV001757069.9), dbSNP rs201329694, ClinGen allele CA6514848.